The following is an entry in ClinVar:

NM_002968.3(SALL1):c.1423_1424del (p.Arg475fs)

Gene: SALL1 (spalt like transcription factor 1; minus strand). Cytogenetic location: 16q12.1.
Variant type: Microsatellite.
Coding change: c.1423_1424del on transcript NM_002968.3 (MANE Select); coding-DNA positions 1423 to 1424, 2 bases deleted (AG; older notation c.1423_1424delAG).
Protein change: p.Arg475fs; shifts the reading frame from arginine 475.
Molecular consequence: frameshift variant.
Genome position (GRCh38, 1-based): chr16:51,140,798-51,140,799, CT deleted on the plus strand (AG on the coding strand, the reverse complement: SALL1 is on the minus strand); deleting any 2 consecutive bases within chr16:51,140,798-51,140,804 gives the same sequence; the c. name uses the placement nearest the transcript's 3' end. VCF-style (leftmost placement, unchanged base first): chr16-51140797-CCT-C. GRCh37 (hg19) VCF-style: chr16-51174708-CCT-C.
Other names: c.1132_1133del, p.Arg378fs (NM_001127892.2); short protein forms R378fs, R475fs.
Identifiers: ClinVar variation 1069244 (VCV001069244.9), dbSNP rs2143446012, ClinGen allele CA2580613475.

ClinVar aggregate classification (germline): Pathogenic (1 of 4 stars; one submission).

Conditions:
Townes syndrome (TBS). Also called: Townes-Brocks syndrome. Identifiers: Orphanet 857, MedGen C0265246, MeSH C536974, MONDO:0007142.

Submission:

Labcorp Genetics (formerly Invitae), Labcorp
Classification: Pathogenic for Townes syndrome. Last evaluated: 2020-03-06. Review status: criteria provided, single submitter. Criteria: Invitae Variant Classification Sherloc (09022015). Collection method: clinical testing. Allele origin: germline.
Comment: For these reasons, this variant has been classified as Pathogenic. This variant disrupts a region that is critical for SALL1 protein function (PMID: 9973281, 16088922,17221874). This variant has not been reported in the literature in individuals with SALL1-related conditions. This variant is not present in population databases (ExAC no frequency). This sequence change results in a premature translational stop signal in the SALL1 gene (p.Arg475Alafs*40). While this is not anticipated to result in nonsense mediated decay, it is expected to disrupt the last 850 amino acids of the SALL1 protein.

Literature cited by the submitters: PubMed 9973281; PubMed 16088922; PubMed 17221874.